The following is an entry in ClinVar:

ClinVar aggregate classification (germline): Likely benign. Review status: criteria provided, multiple submitters, no conflicts (2 of 4 stars). 4 submissions from 4 submitters: Likely benign (3). 1 of the submissions does not count toward it. Last evaluated 2026-01-19.

Conditions:
FANCD2-related disorder. Also called: FANCD2-related condition.
Fanconi anemia (FA). Also called: Fanconi's anemia. Identifiers: Orphanet 84, MedGen C0015625, MeSH D005199, MONDO:0019391.

Allele frequency attached by ClinVar (database versions not stated): TOPMed 0.00005; gnomAD 0.00006; gnomAD exomes 0.00006 and 0.00008; ExAC 0.00008; ESP Exome Variant Server 0.00023.
gnomAD v4.1: 128 of 1,613,774 alleles (0.0079%); highest among the groups gnomAD compares: Admixed American, 0.023%; no homozygotes.

Submissions (4):

Labcorp Genetics (formerly Invitae), Labcorp
Classification: Likely benign for Fanconi anemia. Last evaluated: 2026-01-19. Review status: criteria provided, single submitter. Criteria: Invitae Variant Classification Sherloc (09022015). Collection method: clinical testing. Allele origin: germline.

CeGaT Center for Human Genetics Tuebingen
Classification: Likely benign. Last evaluated: 2026-01-01. Review status: criteria provided, single submitter. Criteria: CeGaT Center For Human Genetics Tuebingen Variant Classification Criteria Version 2. Collection method: clinical testing. Allele origin: germline. Affected: yes. Observed: 1 variant allele.
Comment: FANCD2: BP4, BP7

Blueprint Genetics
Classification: Likely benign. Last evaluated: 2023-11-06. Review status: criteria provided, single submitter. Criteria: ACMG Guidelines, 2015. Collection method: clinical testing. Allele origin: germline.

PreventionGenetics, part of Exact Sciences
Classification: Likely benign for FANCD2-related condition. Last evaluated: 2019-09-10. Review status: no assertion criteria provided. Collection method: clinical testing. Allele origin: germline. Not counted in ClinVar's aggregate classification.
Comment: This variant is classified as likely benign based on ACMG/AMP sequence variant interpretation guidelines (Richards et al. 2015 PMID: 25741868, with internal and published modifications).

NM_001018115.3(FANCD2):c.538C>T (p.Leu180=)

Genes: FANCD2 (FA complementation group D2; plus strand), LOC107303338 (3p25 FANCD2 Alu-mediated recombination region; plus strand). Cytogenetic location: 3p25.3.
Variant type: single nucleotide variant.
Coding change: c.538C>T on transcript NM_001018115.3 (MANE Select); coding-DNA position 538, C replaced by T.
Protein change: p.Leu180=; no amino-acid change (leucine 180 retained).
Molecular consequence: synonymous variant.
Genome position (GRCh38, 1-based): chr3:10,039,325, C>T. VCF-style: chr3-10039325-C-T. GRCh37 (hg19) VCF-style: chr3-10081009-C-T.
Other names: c.538C>T (NM_001018115.2); c.538C>T, p.Leu180= (NM_001319984.2, NM_001374253.1, NM_001374254.1 and 2 more transcripts).
Identifiers: ClinVar variation 526448 (VCV000526448.15), dbSNP rs373835427, ClinGen allele CA2249259.